The following is an entry in ClinVar:

ClinVar aggregate classification (germline): Uncertain significance (1 of 4 stars; one submission).

Conditions:
SMARCC2-related disorder. Also called: SMARCC2-related condition.

gnomAD v4.1: 4 of 1,613,662 alleles (0.00025%); highest among the groups gnomAD compares: African/African-American, 0.0013%; no homozygotes.

Submission:

PreventionGenetics, part of Exact Sciences
Classification: Uncertain significance for SMARCC2-related condition. Last evaluated: 2025-05-22. Review status: criteria provided, single submitter. Criteria: ACMG Guidelines, 2015. Collection method: clinical testing. Allele origin: germline.
Comment: The SMARCC2 c.3286A>G variant is predicted to result in the amino acid substitution p.Ile1096Val. To our knowledge, this variant has not been reported in the literature. This variant is reported in 0.00088% of alleles in individuals of European (Non-Finnish) descent in gnomAD. At this time, the clinical significance of this variant is uncertain due to the absence of conclusive functional and genetic evidence.

NM_001330288.2(SMARCC2):c.3379A>G (p.Ile1127Val)

Gene: SMARCC2 (SWI/SNF related BAF chromatin remodeling complex subunit C2; minus strand). Cytogenetic location: 12q13.2.
Variant type: single nucleotide variant.
Coding change: c.3379A>G on transcript NM_001330288.2 (MANE Select); coding-DNA position 3379, A replaced by G.
Protein change: p.Ile1127Val; replaces isoleucine 1127 with valine.
Molecular consequence: missense variant. On other transcripts: intron variant (2).
Genome position (GRCh38, 1-based): chr12:56,164,585, T>C on the plus strand (A>G on the coding strand, the complement: SMARCC2 is on the minus strand). VCF-style: chr12-56164585-T-C. GRCh37 (hg19) VCF-style: chr12-56558369-T-C.
Other names: c.3286A>G, p.Ile1096Val (NM_003075.5); c.3316+63A>G (NM_139067.4, NM_001130420.3); short protein forms I1096V, I1127V.
Identifiers: ClinVar variation 4983331 (VCV004983331.1).